The following is an entry in ClinVar:

NM_001290043.2(TAP2):c.1370G>T (p.Gly457Val)

Gene: TAP2 (transporter 2, ATP binding cassette subfamily B member; minus strand). Cytogenetic location: 6p21.32.
Variant type: single nucleotide variant.
Coding change: c.1370G>T on transcript NM_001290043.2 (MANE Select); coding-DNA position 1370, G replaced by T.
Protein change: p.Gly457Val; replaces glycine 457 with valine.
Molecular consequence: missense variant.
Genome position (GRCh38, 1-based): chr6:32,830,709, C>A on the plus strand (G>T on the coding strand, the complement: TAP2 is on the minus strand). VCF-style: chr6-32830709-C-A. GRCh37 (hg19) VCF-style: chr6-32798486-C-A.
Other names: c.1370G>T, p.Gly457Val (NM_000544.3, NM_018833.3); short protein forms G457V.
Identifiers: ClinVar variation 1959752 (VCV001959752.5), dbSNP rs2483021891, ClinGen allele CA363581009.

ClinVar aggregate classification (germline): Uncertain significance (1 of 4 stars; one submission).

Conditions:
MHC class I deficiency. Identifiers: Orphanet 34592, MedGen C6024714, MONDO:0011476.

Submission:

Labcorp Genetics (formerly Invitae), Labcorp
Classification: Uncertain significance for MHC class I deficiency 1. Last evaluated: 2024-02-23. Review status: criteria provided, single submitter. Criteria: Invitae Variant Classification Sherloc (09022015). Collection method: clinical testing. Allele origin: germline.
Comment: This sequence change replaces glycine, which is neutral and non-polar, with valine, which is neutral and non-polar, at codon 457 of the TAP2 protein (p.Gly457Val). This variant is not present in population databases (gnomAD no frequency). This variant has not been reported in the literature in individuals affected with TAP2-related conditions. ClinVar contains an entry for this variant (Variation ID: 1959752). Experimental studies and prediction algorithms are not available or were not evaluated, and the functional significance of this variant is currently unknown. In summary, the available evidence is currently insufficient to determine the role of this variant in disease. Therefore, it has been classified as a Variant of Uncertain Significance.